The following is an entry in ClinVar:

ClinVar aggregate classification (germline): Uncertain significance (1 of 4 stars; one submission).

gnomAD v4.1: 1 of 1,613,870 alleles (0.000062%); highest among the groups gnomAD compares: East Asian, 0.0022%; no homozygotes.

Submission:

Labcorp Genetics (formerly Invitae), Labcorp
Classification: Uncertain significance. Last evaluated: 2025-12-01. Review status: criteria provided, single submitter. Criteria: Invitae Variant Classification Sherloc (09022015). Collection method: clinical testing. Allele origin: germline.
Comment: This sequence change replaces tyrosine, which is neutral and polar, with histidine, which is basic and polar, at codon 888 of the ADCY5 protein (p.Tyr888His). This variant is not present in population databases (gnomAD no frequency). This variant has not been reported in the literature in individuals affected with ADCY5-related conditions. Invitae Evidence Modeling of protein sequence and biophysical properties (such as structural, functional, and spatial information, amino acid conservation, physicochemical variation, residue mobility, and thermodynamic stability) has been performed for this missense variant. However, the output from this modeling did not meet the statistical confidence thresholds required to predict the impact of this variant on ADCY5 protein function. In summary, the available evidence is currently insufficient to determine the role of this variant in disease. Therefore, it has been classified as a Variant of Uncertain Significance.

NM_183357.3(ADCY5):c.2662T>C (p.Tyr888His)

Gene: ADCY5 (adenylate cyclase 5; minus strand). Cytogenetic location: 3q21.1.
Variant type: single nucleotide variant.
Coding change: c.2662T>C on transcript NM_183357.3 (MANE Select); coding-DNA position 2662, T replaced by C.
Protein change: p.Tyr888His; replaces tyrosine 888 with histidine.
Molecular consequence: missense variant.
Genome position (GRCh38, 1-based): chr3:123,303,117, A>G on the plus strand (T>C on the coding strand, the complement: ADCY5 is on the minus strand). VCF-style: chr3-123303117-A-G. GRCh37 (hg19) VCF-style: chr3-123021964-A-G.
Other names: c.1612T>C, p.Tyr538His (NM_001199642.1); c.2662T>C, p.Tyr888His (NM_001378259.1); short protein forms Y538H, Y888H.
Identifiers: ClinVar variation 4798050 (VCV004798050.1).